The following is an entry in ClinVar:

NM_201253.3(CRB1):c.3535G>A (p.Asp1179Asn)

Gene: CRB1 (crumbs cell polarity complex component 1; plus strand). Cytogenetic location: 1q31.3.
Variant type: single nucleotide variant.
Coding change: c.3535G>A on transcript NM_201253.3 (MANE Select); coding-DNA position 3535, G replaced by A.
Protein change: p.Asp1179Asn; replaces aspartic acid 1179 with asparagine.
Molecular consequence: missense variant. On other transcripts: non-coding transcript variant (2), intron variant (1).
Genome position (GRCh38, 1-based): chr1:197,435,398, G>A. VCF-style: chr1-197435398-G-A. GRCh37 (hg19) VCF-style: chr1-197404528-G-A.
Other names: c.3199G>A, p.Asp1067Asn (NM_001193640.2); c.3463G>A, p.Asp1155Asn (NM_001257965.2); c.2129-202G>A (NM_001257966.2); c.3535G>A (NM_201253.2); short protein forms D1067N, D1155N, D1179N.
Identifiers: ClinVar variation 2415005 (VCV002415005.6), dbSNP rs765700280, ClinGen allele CA1312353.
Genomic context (GRCh38, chr1:197,435,398, plus strand): 5'-AGCTCTTATCATTGCTCCTGTCCCTTGGGATGGTCAGGGAAACACTGTGAACTCAACATC[G>A]ATGAATGCTTTTCAAACCCCTGTATCCATGGCAACTGCTCTGACAGAGTTGCAGCCTACC-3'
Protein context (NP_957705.1, residues 1169-1189): WSGKHCELNI[Asp1179Asn]ECFSNPCIHG

ClinVar aggregate classification (germline): Uncertain significance. Review status: criteria provided, multiple submitters, no conflicts (2 of 4 stars). 5 submissions from 3 submitters: Uncertain significance (5). Last evaluated 2023-04-11.

Conditions:
Retinitis pigmentosa 12 (RP12). Also called: RP WITH OR WITHOUT PRESERVED PARAARTERIOLE RETINAL PIGMENT EPITHELIUM; RETINITIS PIGMENTOSA WITH OR WITHOUT PARAARTERIOLAR PRESERVATION OF RETINAL PIGMENT EPITHELIUM; RP WITH OR WITHOUT PPRPE. Identifiers: Orphanet 791, MedGen C1838647, MONDO:0010818, OMIM 600105.
Leber congenital amaurosis 8 (LCA8). Identifiers: Orphanet 65, MedGen C3151202, MONDO:0013453, OMIM 613835.
Inborn genetic diseases. Identifiers: MedGen C0950123, MeSH D030342.
Pigmented paravenous retinochoroidal atrophy. Identifiers: Orphanet 251295, MedGen C1868310, MONDO:0008246, OMIM 172870.

gnomAD v4.1: 8 of 1,606,854 alleles (0.0005%); highest among the groups gnomAD compares: East Asian, 0.0022%; no homozygotes.

Submissions (5):

Genome-Nilou Lab
Classification: Uncertain significance for Leber congenital amaurosis 8. Last evaluated: 2023-04-11. Review status: criteria provided, single submitter. Criteria: ACMG Guidelines, 2015. Collection method: clinical testing. Allele origin: germline. Affected: no.

Genome-Nilou Lab
Classification: Uncertain significance for Pigmented paravenous retinochoroidal atrophy. Last evaluated: 2023-04-11. Review status: criteria provided, single submitter. Criteria: ACMG Guidelines, 2015. Collection method: clinical testing. Allele origin: germline. Affected: no.

Genome-Nilou Lab
Classification: Uncertain significance for Retinitis pigmentosa 12. Last evaluated: 2023-04-11. Review status: criteria provided, single submitter. Criteria: ACMG Guidelines, 2015. Collection method: clinical testing. Allele origin: germline. Affected: no.

Ambry Genetics
Classification: Uncertain significance for Inborn genetic diseases. Last evaluated: 2023-02-07. Review status: criteria provided, single submitter. Criteria: Ambry Variant Classification Scheme 2023. Collection method: clinical testing. Allele origin: germline.

Labcorp Genetics (formerly Invitae), Labcorp
Classification: Uncertain significance for Leber congenital amaurosis 8; Retinitis pigmentosa 12. Last evaluated: 2022-06-09. Review status: criteria provided, single submitter. Criteria: Invitae Variant Classification Sherloc (09022015). Collection method: clinical testing. Allele origin: germline.
Comment: This sequence change replaces aspartic acid, which is acidic and polar, with asparagine, which is neutral and polar, at codon 1179 of the CRB1 protein (p.Asp1179Asn). This variant is present in population databases (rs765700280, gnomAD 0.02%). This variant has not been reported in the literature in individuals affected with CRB1-related conditions. Advanced modeling of protein sequence and biophysical properties (such as structural, functional, and spatial information, amino acid conservation, physicochemical variation, residue mobility, and thermodynamic stability) performed at Invitae indicates that this missense variant is not expected to disrupt CRB1 protein function. In summary, the available evidence is currently insufficient to determine the role of this variant in disease. Therefore, it has been classified as a Variant of Uncertain Significance.